The following is an entry in ClinVar:

ClinVar aggregate classification (germline): Likely pathogenic (1 of 4 stars; one submission).

Conditions:
Macrocephaly, acquired, with impaired intellectual development. Also called: MACROCEPHALY, ACQUIRED, WITH MENTAL RETARDATION. Identifiers: MedGen C4748993, MONDO:0032658, OMIM 618286.

Submission:

MGZ Medical Genetics Center
Classification: Likely pathogenic for Macrocephaly, acquired, with impaired intellectual development. Last evaluated: 2022-08-08. Review status: criteria provided, single submitter. Criteria: ACMG Guidelines, 2015. Collection method: clinical testing. Allele origin: germline. Affected: yes. Observed: 1 variant allele.
Comment: ACMG criteria applied: PVS1, PM2_SUP

NM_001190737.2(NFIB):c.951del (p.Lys318fs)

Gene: NFIB (nuclear factor I B; minus strand). Cytogenetic location: 9p23.
Variant type: Deletion.
Coding change: c.951del on transcript NM_001190737.2 (MANE Select); coding-DNA position 951, one base deleted (G; older notation c.951delG).
Protein change: p.Lys318fs; shifts the reading frame from lysine 318.
Molecular consequence: frameshift variant. On other transcripts: non-coding transcript variant (4).
Genome position (GRCh38, 1-based): chr9:14,125,741, C deleted on the plus strand (G on the coding strand, the reverse complement: NFIB is on the minus strand). VCF-style (leftmost placement, unchanged base first): chr9-14125740-TC-T. GRCh37 (hg19) VCF-style: chr9-14125739-TC-T.
Other names: c.1029del, p.Lys344fs (NM_001190738.2); c.195del, p.Lys66fs (NM_001282787.2); c.1017del, p.Lys340fs (NM_001369458.1, NM_001369459.1, NM_001369462.1 and 1 more transcripts); c.939del, p.Lys314fs (NM_001369460.1, NM_001369463.1, NM_001369466.1 and 2 more transcripts); c.951del, p.Lys318fs (NM_001369461.1, NM_001369464.1, NM_001369471.1 and 1 more transcripts); c.924del, p.Lys309fs (NM_001369465.1, NM_001369467.1, NM_001369476.1); c.807del, p.Lys270fs (NM_001369469.1); c.714del, p.Lys239fs (NM_001369470.1, NM_001369478.1); and 4 more; short protein forms K139fs, K239fs, K243fs, K270fs, K300fs, K309fs, K313fs, K314fs.
Identifiers: ClinVar variation 1709684 (VCV001709684.2), dbSNP rs2537886940, ClinGen allele CA2580080266.
Genomic context (GRCh38, chr9:14,125,740, plus strand): 5'-TGCTCAGTCTTGGGGAAGAATCCTGTGGAGATGCAGAGCTGAACAATGGCTTTTCAGGCT[TC>T]TTCATAGTAGTCGGAGAAGACATATCTGCGAGAAACAGAGAAAAACCCAAAGCTCCATGA-3'